The following is an entry in ClinVar:

ClinVar aggregate classification (germline): Uncertain significance (1 of 4 stars; one submission).

Conditions:
Hereditary cancer-predisposing syndrome. Also called: Tumor predisposition; Hereditary neoplastic syndrome; Neoplastic Syndromes, Hereditary; Hereditary Cancer Syndrome. Identifiers: Orphanet 140162, MedGen C0027672, MeSH D009386, MONDO:0015356.

Submission:

Ambry Genetics
Classification: Uncertain significance for Hereditary cancer-predisposing syndrome. Last evaluated: 2019-05-15. Review status: criteria provided, single submitter. Criteria: Ambry Variant Classification Scheme 2023. Collection method: clinical testing. Allele origin: germline.
Comment: The p.N349D variant (also known as c.1045A>G), located in coding exon 7 of the PTCH1 gene, results from an A to G substitution at nucleotide position 1045. The asparagine at codon 349 is replaced by aspartic acid, an amino acid with highly similar properties. This amino acid position is highly conserved in available vertebrate species. In addition, this alteration is predicted to be tolerated by in silico analysis. Since supporting evidence is limited at this time, the clinical significance of this alteration remains unclear.

NM_000264.5(PTCH1):c.1045A>G (p.Asn349Asp)

Gene: PTCH1 (patched 1; minus strand). Cytogenetic location: 9q22.32.
Variant type: single nucleotide variant.
Coding change: c.1045A>G on transcript NM_000264.5 (MANE Select); coding-DNA position 1045, A replaced by G.
Protein change: p.Asn349Asp; replaces asparagine 349 with aspartic acid.
Molecular consequence: missense variant. On other transcripts: non-coding transcript variant (1).
Genome position (GRCh38, 1-based): chr9:95,479,991, T>C on the plus strand (A>G on the coding strand, the complement: PTCH1 is on the minus strand). VCF-style: chr9-95479991-T-C. GRCh37 (hg19) VCF-style: chr9-98242273-T-C.
Other names: c.847A>G, p.Asn283Asp (NM_001083602.3); c.1042A>G, p.Asn348Asp (NM_001083603.3); c.592A>G, p.Asn198Asp (NM_001083604.3, NM_001083605.3, NM_001083606.3 and 1 more transcripts); c.1045A>G, p.Asn349Asp (NM_001354918.2); short protein forms N283D, N348D, N349D, N198D.
Identifiers: ClinVar variation 818310 (VCV000818310.4), dbSNP rs1588608348, ClinGen allele CA374119604.